The following is an entry in ClinVar:

ClinVar aggregate classification (germline): Uncertain significance (1 of 4 stars; one submission).

Conditions:
TYR-related disorder. Also called: TYR-related condition.

Allele frequency attached by ClinVar (database versions not stated): gnomAD exomes below 0.00001; ExAC 0.00001.
gnomAD v4.1: 1 of 1,613,876 alleles (0.000062%); highest among the groups gnomAD compares: Admixed American, 0.0017%; no homozygotes.

Submission:

PreventionGenetics, part of Exact Sciences
Classification: Uncertain significance for TYR-related condition. Last evaluated: 2023-08-15. Review status: criteria provided, single submitter. Criteria: ACMG Guidelines, 2015. Collection method: clinical testing. Allele origin: germline.
Comment: The TYR c.731G>C variant is predicted to result in the amino acid substitution p.Cys244Ser. To our knowledge, this variant has not been reported in the literature. This variant is reported in 0.0029% of alleles in individuals of Latino descent in gnomAD. At this time, the clinical significance of this variant is uncertain due to the absence of conclusive functional and genetic evidence.

NM_000372.5(TYR):c.731G>C (p.Cys244Ser)

Gene: TYR (tyrosinase; plus strand). Cytogenetic location: 11q14.3.
Variant type: single nucleotide variant.
Coding change: c.731G>C on transcript NM_000372.5 (MANE Select); coding-DNA position 731, G replaced by C.
Protein change: p.Cys244Ser; replaces cysteine 244 with serine.
Molecular consequence: missense variant.
Genome position (GRCh38, 1-based): chr11:89,178,684, G>C. VCF-style: chr11-89178684-G-C. GRCh37 (hg19) VCF-style: chr11-88911852-G-C.
Other names: short protein forms C244S.
Identifiers: ClinVar variation 2631170 (VCV002631170.1), dbSNP rs759359525, ClinGen allele CA6221184.